The following is an entry in ClinVar:

NM_152296.5(ATP1A3):c.2360A>G (p.Asn787Ser)

Gene: ATP1A3 (ATPase Na+/K+ transporting subunit alpha 3; minus strand). Cytogenetic location: 19q13.2.
Variant type: single nucleotide variant.
Coding change: c.2360A>G on transcript NM_152296.5 (MANE Select); coding-DNA position 2360, A replaced by G.
Protein change: p.Asn787Ser; replaces asparagine 787 with serine.
Molecular consequence: missense variant.
Genome position (GRCh38, 1-based): chr19:41,970,446, T>C on the plus strand (A>G on the coding strand, the complement: ATP1A3 is on the minus strand). VCF-style: chr19-41970446-T-C. GRCh37 (hg19) VCF-style: chr19-42474598-T-C.
Other names: c.2393A>G, p.Asn798Ser (NM_001256213.2); c.2399A>G, p.Asn800Ser (NM_001256214.2); short protein forms N787S, N798S, N800S.
Identifiers: ClinVar variation 3360288 (VCV003360288.1).
Genomic context (GRCh38, chr19:41,970,446, plus strand): 5'-ACCATGTCAGTGCCCAGATCGATGCAGAGGATGGTGATGGTGCCCAGGGGCAGCGGGATG[T>C]TGGCCATGATGAACAGCAGGAAGGGCGTGATCTCCGGGATATTGCTGGTCAGGGTGTAGG-3'
Protein context (NP_689509.1, residues 777-797): ITPFLLFIMA[Asn787Ser]IPLPLGTITI

ClinVar aggregate classification (germline): Uncertain significance (1 of 4 stars; one submission).

Submission:

GeneDx
Classification: Uncertain significance. Last evaluated: 2023-07-10. Review status: criteria provided, single submitter. Criteria: GeneDx Variant Classification Process June 2021. Collection method: clinical testing. Allele origin: germline. Affected: yes.
Comment: Not observed at significant frequency in large population cohorts (gnomAD); In silico analysis supports that this missense variant does not alter protein structure/function; Has not been previously published as pathogenic or benign to our knowledge